The following is an entry in ClinVar:

NM_021728.4(OTX2):c.446C>T (p.Thr149Ile)

Gene: OTX2 (orthodenticle homeobox 2; minus strand). Cytogenetic location: 14q22.3.
Variant type: single nucleotide variant.
Coding change: c.446C>T on transcript NM_021728.4 (MANE Select); coding-DNA position 446, C replaced by T.
Protein change: p.Thr149Ile; replaces threonine 149 with isoleucine.
Molecular consequence: missense variant. On other transcripts: non-coding transcript variant (2).
Genome position (GRCh38, 1-based): chr14:56,802,183, G>A on the plus strand (C>T on the coding strand, the complement: OTX2 is on the minus strand). VCF-style: chr14-56802183-G-A. GRCh37 (hg19) VCF-style: chr14-57268901-G-A.
Other names: c.422C>T, p.Thr141Ile (NM_001270523.2, NM_001270524.2, NM_172337.3); c.446C>T, p.Thr149Ile (NM_001270525.2); short protein forms T149I, T141I.
Identifiers: ClinVar variation 663346 (VCV000663346.8), dbSNP rs771047348, ClinGen allele CA7200477.

ClinVar aggregate classification (germline): Uncertain significance. Review status: criteria provided, multiple submitters, no conflicts (2 of 4 stars). 2 submissions from 2 submitters: Uncertain significance (2). Last evaluated 2024-11-02.

Conditions:
Anophthalmia-microphthalmia syndrome. Also called: Anophthalmia/Microphthalmia; Anophthalmia - microphthalmia. Identifiers: Orphanet 98555, MedGen C5680330, MONDO:0020147.

Allele frequency attached by ClinVar (database versions not stated): gnomAD 0.00001; gnomAD exomes 0.00001 and below 0.00001; TOPMed 0.00001; ExAC 0.00001.

Submissions (2):

Labcorp Genetics (formerly Invitae), Labcorp
Classification: Uncertain significance for Anophthalmia-microphthalmia syndrome. Last evaluated: 2024-11-02. Review status: criteria provided, single submitter. Criteria: Invitae Variant Classification Sherloc (09022015). Collection method: clinical testing. Allele origin: germline.
Comment: This sequence change replaces threonine, which is neutral and polar, with isoleucine, which is neutral and non-polar, at codon 141 of the OTX2 protein (p.Thr141Ile). This variant is present in population databases (rs771047348, gnomAD 0.006%). This variant has not been reported in the literature in individuals affected with OTX2-related conditions. ClinVar contains an entry for this variant (Variation ID: 663346). An algorithm developed to predict the effect of missense changes on protein structure and function (PolyPhen-2) suggests that this variant is likely to be tolerated. In summary, the available evidence is currently insufficient to determine the role of this variant in disease. Therefore, it has been classified as a Variant of Uncertain Significance.

Blueprint Genetics
Classification: Uncertain significance. Last evaluated: 2024-09-06. Review status: criteria provided, single submitter. Criteria: ACMG Guidelines, 2015. Collection method: clinical testing. Allele origin: germline.